The following is an entry in ClinVar:

NM_004568.6(SERPINB6):c.751G>A (p.Glu251Lys)

Gene: SERPINB6 (serpin family B member 6; minus strand). Cytogenetic location: 6p25.2.
Variant type: single nucleotide variant.
Coding change: c.751G>A on transcript NM_004568.6 (MANE Select); coding-DNA position 751, G replaced by A.
Protein change: p.Glu251Lys; replaces glutamic acid 251 with lysine.
Molecular consequence: missense variant. On other transcripts: non-coding transcript variant (1).
Genome position (GRCh38, 1-based): chr6:2,948,678, C>T on the plus strand (G>A on the coding strand, the complement: SERPINB6 is on the minus strand). VCF-style: chr6-2948678-C-T. GRCh37 (hg19) VCF-style: chr6-2948912-C-T.
Other names: c.763G>A, p.Glu255Lys (NM_001195291.3, NM_001374515.1); c.793G>A, p.Glu265Lys (NM_001271822.2); c.808G>A, p.Glu270Lys (NM_001271823.2); c.751G>A, p.Glu251Lys (NM_001271824.2, NM_001271825.2, NM_001297699.2 and 2 more transcripts); c.619G>A, p.Glu207Lys (NM_001374517.1); short protein forms E251K, E270K, E255K, E265K, E207K.
Identifiers: ClinVar variation 4984924 (VCV004984924.1).

ClinVar aggregate classification (germline): Uncertain significance (1 of 4 stars; one submission).

Conditions:
SERPINB6-related disorder. Also called: SERPINB6-related condition.

gnomAD v4.1: 9 of 1,614,060 alleles (0.00056%); highest among the groups gnomAD compares: Middle Eastern, 0.033%; 1 homozygote.

Submission:

PreventionGenetics, part of Exact Sciences
Classification: Uncertain significance for SERPINB6-related condition. Last evaluated: 2025-02-12. Review status: criteria provided, single submitter. Criteria: ACMG Guidelines, 2015. Collection method: clinical testing. Allele origin: germline.
Comment: The SERPINB6 c.751G>A variant is predicted to result in the amino acid substitution p.Glu251Lys. To our knowledge, this variant has not been reported in the literature or in a large population database (gnomAD), indicating this variant is rare. At this time, the clinical significance of this variant is uncertain due to the absence of conclusive functional and genetic evidence.